The following is an entry in ClinVar:

ClinVar aggregate classification (germline): Uncertain significance (1 of 4 stars; one submission).

Conditions:
Hereditary cancer-predisposing syndrome. Also called: Neoplastic Syndromes, Hereditary; Tumor predisposition; Hereditary Cancer Syndrome; Hereditary neoplastic syndrome. Identifiers: Orphanet 140162, MedGen C0027672, MeSH D009386, MONDO:0015356.

Submission:

Ambry Genetics
Classification: Uncertain significance for Hereditary cancer-predisposing syndrome. Last evaluated: 2022-09-28. Review status: criteria provided, single submitter. Criteria: Ambry Variant Classification Scheme 2023. Collection method: clinical testing. Allele origin: germline.
Comment: The p.Q721L variant (also known as c.2162A>T), located in coding exon 12 of the PMS2 gene, results from an A to T substitution at nucleotide position 2162. The glutamine at codon 721 is replaced by leucine, an amino acid with dissimilar properties. This amino acid position is conserved. In addition, this alteration is predicted to be deleterious by in silico analysis. Since supporting evidence is limited at this time, the clinical significance of this alteration remains unclear.

NM_000535.7(PMS2):c.2162A>T (p.Gln721Leu)

Gene: PMS2 (PMS1 homolog 2, mismatch repair system component; minus strand). Cytogenetic location: 7p22.1.
Variant type: single nucleotide variant.
Coding change: c.2162A>T on transcript NM_000535.7 (MANE Select); coding-DNA position 2162, A replaced by T.
Protein change: p.Gln721Leu; replaces glutamine 721 with leucine.
Molecular consequence: missense variant. On other transcripts: non-coding transcript variant (1).
Genome position (GRCh38, 1-based): chr7:5,982,836, T>A on the plus strand (A>T on the coding strand, the complement: PMS2 is on the minus strand). VCF-style: chr7-5982836-T-A. GRCh37 (hg19) VCF-style: chr7-6022467-T-A.
Other names: c.2006A>T, p.Gln669Leu (NM_001406870.1, NM_001322006.2); c.2162A>T, p.Gln721Leu (NM_001406871.1, NM_001322014.2); c.1844A>T, p.Gln615Leu (NM_001406876.1, NM_001322007.2, NM_001322008.2 and 1 more transcripts); c.1964A>T, p.Gln655Leu (NM_001406873.1); c.1994A>T, p.Gln665Leu (NM_001406874.1); c.1853A>T, p.Gln618Leu (NM_001406875.1, NM_001322015.2, NM_001406877.1 and 5 more transcripts); c.1757A>T, p.Gln586Leu (NM_001018040.1, NM_001322003.2, NM_001322004.2 and 15 more transcripts); c.1601A>T, p.Gln534Leu (NM_001322010.2, NM_001406906.1, NM_001406907.1); and 13 more; short protein forms Q410L, Q563L, Q599L, Q665L, Q669L, Q721L, Q729L, Q566L.
Identifiers: ClinVar variation 1786928 (VCV001786928.2), dbSNP rs2128702355, ClinGen allele CA366737861.
Genomic context (GRCh38, chr7:5,982,836, plus strand): 5'-ATCTTCAATTTGAGGGGGAGTCTGGGAATGAACACTAAACACACTCACGCTATGAGCCTC[T>A]GCCCCTGGAGCACGGTGTGCTGCTGCAGCATCTCGAAGTTATACTTCTCGTCCGTGGCAT-3'
Protein context (NP_000526.2, residues 711-731): MLQQHTVLQG[Gln721Leu]RLIAPQTLNL